The following is an entry in ClinVar:

ClinVar aggregate classification (germline): Benign (1 of 4 stars; one submission).

Allele frequency attached by ClinVar (database versions not stated): ExAC 0.00497; gnomAD 0.01563 and 0.01670; ESP Exome Variant Server 0.01676; TOPMed 0.01713; 1000 Genomes Project 30x 0.02077; 1000 Genomes Project 0.02097.
gnomAD v4.1: 4,694 of 1,611,142 alleles (0.29%); highest among the groups gnomAD compares: African/African-American, 5.5%; 112 homozygotes.

Submission:

GeneDx
Classification: Benign. Last evaluated: 2018-06-14. Review status: criteria provided, single submitter. Criteria: GeneDx Variant Classification (06012015). Collection method: clinical testing. Allele origin: germline. Affected: yes.
Comment: This variant is considered likely benign or benign based on one or more of the following criteria: it is a conservative change, it occurs at a poorly conserved position in the protein, it is predicted to be benign by multiple in silico algorithms, and/or has population frequency not consistent with disease.

NM_020745.4(AARS2):c.2007+45A>T

Gene: AARS2 (alanyl-tRNA synthetase 2, mitochondrial; minus strand). Cytogenetic location: 6p21.1.
Variant type: single nucleotide variant.
Coding change: c.2007+45A>T on transcript NM_020745.4 (MANE Select); 45 bases into the intron after coding-DNA position 2007, A replaced by T.
Molecular consequence: intron variant.
Genome position (GRCh38, 1-based): chr6:44,304,136, T>A on the plus strand (A>T on the coding strand, the complement: AARS2 is on the minus strand). VCF-style: chr6-44304136-T-A. GRCh37 (hg19) VCF-style: chr6-44271873-T-A.
Identifiers: ClinVar variation 673699 (VCV000673699.1), dbSNP rs78610788, ClinGen allele CA3834140.